The following is an entry in ClinVar:

NM_001377229.1(DISP1):c.1256C>A (p.Thr419Asn)

Gene: DISP1 (dispatched RND transporter family member 1; plus strand). Cytogenetic location: 1q41.
Variant type: single nucleotide variant.
Coding change: c.1256C>A on transcript NM_001377229.1 (MANE Select); coding-DNA position 1256, C replaced by A.
Protein change: p.Thr419Asn; replaces threonine 419 with asparagine.
Molecular consequence: missense variant.
Genome position (GRCh38, 1-based): chr1:223,002,653, C>A. VCF-style: chr1-223002653-C-A. GRCh37 (hg19) VCF-style: chr1-223175995-C-A.
Other names: c.527C>A, p.Thr176Asn (NM_001350630.2); c.1256C>A, p.Thr419Asn (NM_001369594.1, NM_001377228.1, NM_032890.5); short protein forms T419N, T176N.
Identifiers: ClinVar variation 4734912 (VCV004734912.1).
Genomic context (GRCh38, chr1:223,002,653, plus strand): 5'-GGGACATGGCAGCCAGAAGAAAGGACCAGCTCAAGTGCACCAATGTGCCACGCAAATGTA[C>A]CAAGTACAATGCTGTGTACCAGATCCTCCATTACTTGGTGGACAAAGACTTTATGACCCC-3'
Protein context (NP_001364158.1, residues 409-429): LKCTNVPRKC[Thr419Asn]KYNAVYQILH

ClinVar aggregate classification (germline): Uncertain significance (1 of 4 stars; one submission).

Submission:

Labcorp Genetics (formerly Invitae), Labcorp
Classification: Uncertain significance. Last evaluated: 2026-01-08. Review status: criteria provided, single submitter. Criteria: Invitae Variant Classification Sherloc (09022015). Collection method: clinical testing. Allele origin: germline.
Comment: This sequence change replaces threonine, which is neutral and polar, with asparagine, which is neutral and polar, at codon 419 of the DISP1 protein (p.Thr419Asn). This variant is not present in population databases (gnomAD no frequency). This variant has not been reported in the literature in individuals affected with DISP1-related conditions. An algorithm developed to predict the effect of missense changes on protein structure and function (PolyPhen-2) suggests that this variant is likely to be disruptive. In summary, the available evidence is currently insufficient to determine the role of this variant in disease. Therefore, it has been classified as a Variant of Uncertain Significance.